The following is an entry in ClinVar:

ClinVar aggregate classification (germline): Uncertain significance (1 of 4 stars; one submission).

Conditions:
Charcot-Marie-Tooth disease type 2E (CMT2E). Also called: CHARCOT-MARIE-TOOTH DISEASE, AXONAL, TYPE 2E; CHARCOT-MARIE-TOOTH NEUROPATHY, TYPE 2E. Identifiers: Orphanet 99939, MedGen C1843225, MONDO:0011894, OMIM 607684.

Submission:

Labcorp Genetics (formerly Invitae), Labcorp
Classification: Uncertain significance for Charcot-Marie-Tooth disease type 2E. Last evaluated: 2024-09-02. Review status: criteria provided, single submitter. Criteria: Invitae Variant Classification Sherloc (09022015). Collection method: clinical testing. Allele origin: germline.
Comment: This sequence change replaces leucine, which is neutral and non-polar, with arginine, which is basic and polar, at codon 97 of the NEFL protein (p.Leu97Arg). This variant is not present in population databases (gnomAD no frequency). This variant has not been reported in the literature in individuals affected with NEFL-related conditions. ClinVar contains an entry for this variant (Variation ID: 864169). Invitae Evidence Modeling of protein sequence and biophysical properties (such as structural, functional, and spatial information, amino acid conservation, physicochemical variation, residue mobility, and thermodynamic stability) indicates that this missense variant is expected to disrupt NEFL protein function with a positive predictive value of 80%. In summary, the available evidence is currently insufficient to determine the role of this variant in disease. Therefore, it has been classified as a Variant of Uncertain Significance.

NM_006158.5(NEFL):c.290T>G (p.Leu97Arg)

Gene: NEFL (neurofilament light chain; minus strand). Cytogenetic location: 8p21.2.
Variant type: single nucleotide variant.
Coding change: c.290T>G on transcript NM_006158.5 (MANE Select); coding-DNA position 290, T replaced by G.
Protein change: p.Leu97Arg; replaces leucine 97 with arginine.
Molecular consequence: missense variant.
Genome position (GRCh38, 1-based): chr8:24,956,226, A>C on the plus strand (T>G on the coding strand, the complement: NEFL is on the minus strand). VCF-style: chr8-24956226-A-C. GRCh37 (hg19) VCF-style: chr8-24813740-A-C.
Other names: short protein forms L97R.
Identifiers: ClinVar variation 864169 (VCV000864169.6), dbSNP rs1803053378, ClinGen allele CA370622903.